The following is an entry in ClinVar:

ClinVar aggregate classification (germline): Uncertain significance (1 of 4 stars; one submission).

Conditions:
Ullrich congenital muscular dystrophy 2 (UCMD2). Identifiers: Orphanet 75840, MedGen C4225314, MONDO:0014654, OMIM 616470.
Bethlem myopathy 2 (BTHLM2). Identifiers: Orphanet 536516, Orphanet 610, MedGen C4225313, MONDO:0034022, OMIM 616471.

Submission:

Labcorp Genetics (formerly Invitae), Labcorp
Classification: Uncertain significance for Bethlem myopathy 2; Ullrich congenital muscular dystrophy 2. Last evaluated: 2020-09-03. Review status: criteria provided, single submitter. Criteria: Invitae Variant Classification Sherloc (09022015). Collection method: clinical testing. Allele origin: germline.
Comment: In summary, the available evidence is currently insufficient to determine the role of this variant in disease. Therefore, it has been classified as a Variant of Uncertain Significance. Algorithms developed to predict the effect of missense changes on protein structure and function output the following: SIFT: "Tolerated"; PolyPhen-2: "Benign"; Align-GVGD: "Class C0". The lysine amino acid residue is found in multiple mammalian species, suggesting that this missense change does not adversely affect protein function. These predictions have not been confirmed by published functional studies and their clinical significance is uncertain. This variant has not been reported in the literature in individuals with COL12A1-related conditions. This variant is not present in population databases (ExAC no frequency). This sequence change replaces glutamine with lysine at codon 997 of the COL12A1 protein (p.Gln997Lys). The glutamine residue is moderately conserved and there is a small physicochemical difference between glutamine and lysine.

NM_004370.6(COL12A1):c.2989C>A (p.Gln997Lys)

Gene: COL12A1 (collagen type XII alpha 1 chain; minus strand). Cytogenetic location: 6q13.
Variant type: single nucleotide variant.
Coding change: c.2989C>A on transcript NM_004370.6 (MANE Select); coding-DNA position 2989, C replaced by A.
Protein change: p.Gln997Lys; replaces glutamine 997 with lysine.
Molecular consequence: missense variant. On other transcripts: intron variant (1).
Genome position (GRCh38, 1-based): chr6:75,156,518, G>T on the plus strand (C>A on the coding strand, the complement: COL12A1 is on the minus strand). VCF-style: chr6-75156518-G-T. GRCh37 (hg19) VCF-style: chr6-75866234-G-T.
Other names: c.74-4036C>A (NM_080645.3); short protein forms Q997K.
Identifiers: ClinVar variation 1045735 (VCV001045735.9), dbSNP rs1767775935, ClinGen allele CA364755097.